The following is an entry in ClinVar:

NM_000245.4(MET):c.2016C>T (p.Gly672=)

Gene: MET (MET proto-oncogene, receptor tyrosine kinase; plus strand). Cytogenetic location: 7q31.2.
Variant type: single nucleotide variant.
Coding change: c.2016C>T on transcript NM_000245.4 (MANE Select); coding-DNA position 2016, C replaced by T.
Protein change: p.Gly672=; no amino-acid change (glycine 672 retained).
Molecular consequence: synonymous variant.
Genome position (GRCh38, 1-based): chr7:116,757,688, C>T. VCF-style: chr7-116757688-C-T. GRCh37 (hg19) VCF-style: chr7-116397742-C-T.
Other names: c.2016C>T (NM_001127500.1); c.2016C>T, p.Gly672= (NM_001127500.3, NM_001324401.3); c.726C>T, p.Gly242= (NM_001324402.2).
Identifiers: ClinVar variation 1442699 (VCV001442699.7), dbSNP rs768149852, ClinGen allele CA4448360.
Genomic context (GRCh38, chr7:116,757,688, plus strand): 5'-TCCCCTCCAGGATCCTGTAATAACAAGTATTTCGCCGAAATACGGTCCTATGGCTGGTGG[C>T]ACTTTACTTACTTTAACTGGAAATTACCTAAACAGTGGGAATTCTAGACACATTTCAATT-3'
Protein context (NP_000236.2, residues 662-682): ISPKYGPMAG[Gly672=]TLLTLTGNYL

ClinVar aggregate classification (germline): Conflicting classifications of pathogenicity. Review status: criteria provided, conflicting classifications (1 of 4 stars). 4 submissions from 4 submitters: Uncertain significance (2); Benign (1); Likely benign (1). Last evaluated 2025-03-11.

Conditions:
Hereditary cancer-predisposing syndrome. Also called: Tumor predisposition; Hereditary Cancer Syndrome; Hereditary neoplastic syndrome; Neoplastic Syndromes, Hereditary. Identifiers: Orphanet 140162, MedGen C0027672, MeSH D009386, MONDO:0015356.
Renal cell carcinoma. Identifiers: Orphanet 217071, MedGen C0007134, MeSH D002292, MONDO:0005086, HP:0005584.
Papillary renal cell carcinoma type 1 (RCCP1). Also called: RENAL CELL CARCINOMA, PAPILLARY, 1, SOMATIC; Renal adenocarcinoma; Renal cell carcinoma 1; Renal cell carcinoma, somatic. Identifiers: Orphanet 47044, MedGen C1336839, OMIM 605074, HP:0011797.

Allele frequency attached by ClinVar (database versions not stated): gnomAD exomes below 0.00001.
gnomAD v4.1: 1 of 1,613,896 alleles (0.000062%); highest among the groups gnomAD compares: Admixed American, 0.0017%; no homozygotes.

Submissions (4):

Ambry Genetics
Classification: Uncertain significance for Hereditary cancer-predisposing syndrome. Last evaluated: 2025-03-11. Review status: criteria provided, single submitter. Criteria: Ambry Variant Classification Scheme 2023. Collection method: clinical testing. Allele origin: germline.
Comment: The c.2016C>T variant (also known as p.G672G), located in coding exon 7 of the MET gene, results from a C to T substitution at nucleotide position 2016. This nucleotide substitution does not change the glycine at codon 672. This nucleotide position is not well conserved in available vertebrate species. In silico splice site analysis predicts that this alteration may result in the creation or strengthening of a novel splice donor site. Based on the available evidence, the clinical significance of this variant remains unclear.

Myriad Genetics, Inc.
Classification: Benign for Papillary renal cell carcinoma type 1. Last evaluated: 2024-11-08. Review status: criteria provided, single submitter. Criteria: Myriad Autosomal Dominant, Autosomal Recessive and X-Linked Classification Criteria (2023). Collection method: clinical testing. Allele origin: unknown.
Comment: This variant is considered benign. This variant is a silent/synonymous amino acid change and it is not expected to impact splicing.

GeneDx
Classification: Uncertain significance. Last evaluated: 2024-10-23. Review status: criteria provided, single submitter. Criteria: GeneDx Variant Classification Process June 2021. Collection method: clinical testing. Allele origin: germline. Affected: yes.
Comment: Not observed at significant frequency in large population cohorts (gnomAD); Has not been previously published as pathogenic or benign to our knowledge; In silico analysis suggests this variant may impact gene splicing. In the absence of RNA/functional studies, the actual effect of this sequence change is unknown.

Labcorp Genetics (formerly Invitae), Labcorp
Classification: Likely benign for Renal cell carcinoma. Last evaluated: 2024-07-01. Review status: criteria provided, single submitter. Criteria: Invitae Variant Classification Sherloc (09022015). Collection method: clinical testing. Allele origin: germline.